The following is an entry in ClinVar:

NM_000814.6(GABRB3):c.689A>G (p.Tyr230Cys)

Gene: GABRB3 (gamma-aminobutyric acid type A receptor subunit beta3; minus strand). Cytogenetic location: 15q12.
Variant type: single nucleotide variant.
Coding change: c.689A>G on transcript NM_000814.6 (MANE Select); coding-DNA position 689, A replaced by G.
Protein change: p.Tyr230Cys; replaces tyrosine 230 with cysteine.
Molecular consequence: missense variant.
Genome position (GRCh38, 1-based): chr15:26,567,727, T>C on the plus strand (A>G on the coding strand, the complement: GABRB3 is on the minus strand). VCF-style: chr15-26567727-T-C. GRCh37 (hg19) VCF-style: chr15-26812874-T-C.
Other names: c.434A>G, p.Tyr145Cys (NM_001191320.2, NM_001278631.2); c.476A>G, p.Tyr159Cys (NM_001191321.3); c.689A>G, p.Tyr230Cys (NM_021912.5); short protein forms Y145C, Y159C, Y230C.
Identifiers: ClinVar variation 998491 (VCV000998491.8), dbSNP rs1890231872, ClinGen allele CA391463423.

ClinVar aggregate classification (germline): Uncertain significance (1 of 4 stars; one submission).

Conditions:
Epilepsy, childhood absence, susceptibility to, 1. Also called: Epilepsy, childhood absence 1. Identifiers: Orphanet 64280, MedGen C1838604, MONDO:0020759, OMIM 600131.
Epilepsy, childhood absence, susceptibility to, 5. Identifiers: Orphanet 64280, MedGen C2677087, MONDO:0012843, OMIM 612269.

Submission:

Labcorp Genetics (formerly Invitae), Labcorp
Classification: Uncertain significance for Epilepsy, childhood absence, susceptibility to, 5; Epilepsy, childhood absence, susceptibility to, 1. Last evaluated: 2020-06-28. Review status: criteria provided, single submitter. Criteria: Invitae Variant Classification Sherloc (09022015). Collection method: clinical testing. Allele origin: germline.
Comment: In summary, the available evidence is currently insufficient to determine the role of this variant in disease. Therefore, it has been classified as a Variant of Uncertain Significance. Algorithms developed to predict the effect of missense changes on protein structure and function (SIFT, PolyPhen-2, Align-GVGD) all suggest that this variant is likely to be disruptive, but these predictions have not been confirmed by published functional studies and their clinical significance is uncertain. This variant has not been reported in the literature in individuals with GABRB3-related conditions. This variant is not present in population databases (ExAC no frequency). This sequence change replaces tyrosine with cysteine at codon 230 of the GABRB3 protein (p.Tyr230Cys). The tyrosine residue is highly conserved and there is a large physicochemical difference between tyrosine and cysteine.